The following is an entry in ClinVar:

ClinVar aggregate classification (germline): Uncertain significance. Review status: criteria provided, multiple submitters, no conflicts (2 of 4 stars). 4 submissions from 4 submitters: Uncertain significance (3). 1 of the submissions does not count toward it. Last evaluated 2024-01-30.

Conditions:
Schimke immuno-osseous dysplasia (SIOD). Also called: Schimke Immunoosseous Dysplasia. Identifiers: Orphanet 1830, MedGen C0877024, MONDO:0009458, OMIM 242900.
Inborn genetic diseases. Identifiers: MedGen C0950123, MeSH D030342.

Allele frequency attached by ClinVar (database versions not stated): gnomAD exomes 0.00001 and 0.00007; gnomAD 0.00002 and 0.00003; TOPMed 0.00004; ExAC 0.00009; 1000 Genomes Project 30x 0.00016; 1000 Genomes Project 0.00020.
gnomAD v4.1: 25 of 1,614,210 alleles (0.0015%); highest among the groups gnomAD compares: East Asian, 0.042%; no homozygotes.

Submissions (4):

Ambry Genetics
Classification: Uncertain significance for Inborn genetic diseases. Last evaluated: 2024-01-30. Review status: criteria provided, single submitter. Criteria: Ambry Variant Classification Scheme 2023. Collection method: clinical testing. Allele origin: germline.

Fulgent Genetics
Classification: Uncertain significance for Schimke immuno-osseous dysplasia. Last evaluated: 2022-05-24. Review status: criteria provided, single submitter. Criteria: ACMG Guidelines, 2015. Collection method: clinical testing. Allele origin: unknown.

Labcorp Genetics (formerly Invitae), Labcorp
Classification: Uncertain significance for Schimke immuno-osseous dysplasia. Last evaluated: 2022-01-19. Review status: criteria provided, single submitter. Criteria: Invitae Variant Classification Sherloc (09022015). Collection method: clinical testing. Allele origin: germline.
Comment: This sequence change replaces aspartic acid, which is acidic and polar, with asparagine, which is neutral and polar, at codon 797 of the SMARCAL1 protein (p.Asp797Asn). This variant is present in population databases (rs528033845, gnomAD 0.09%). This variant has not been reported in the literature in individuals affected with SMARCAL1-related conditions. ClinVar contains an entry for this variant (Variation ID: 850548). Algorithms developed to predict the effect of missense changes on protein structure and function are either unavailable or do not agree on the potential impact of this missense change (SIFT: "Deleterious"; PolyPhen-2: "Possibly Damaging"; Align-GVGD: "Class C0"). In summary, the available evidence is currently insufficient to determine the role of this variant in disease. Therefore, it has been classified as a Variant of Uncertain Significance.

Natera, Inc.
Classification: Uncertain significance for Schimke immuno-osseous dysplasia. Last evaluated: 2020-02-21. Review status: no assertion criteria provided. Collection method: clinical testing. Allele origin: germline. Not counted in ClinVar's aggregate classification.

NM_014140.4(SMARCAL1):c.2389G>A (p.Asp797Asn)

Gene: SMARCAL1 (SNF2 related chromatin remodeling annealing helicase 1; plus strand). Cytogenetic location: 2q35.
Variant type: single nucleotide variant.
Coding change: c.2389G>A on transcript NM_014140.4 (MANE Select); coding-DNA position 2389, G replaced by A.
Protein change: p.Asp797Asn; replaces aspartic acid 797 with asparagine.
Molecular consequence: missense variant.
Genome position (GRCh38, 1-based): chr2:216,475,413, G>A. VCF-style: chr2-216475413-G-A. GRCh37 (hg19) VCF-style: chr2-217340136-G-A.
Other names: c.2389G>A, p.Asp797Asn (NM_001127207.2); short protein forms D797N.
Identifiers: ClinVar variation 850548 (VCV000850548.8), dbSNP rs528033845, ClinGen allele CA2098186.
Genomic context (GRCh38, chr2:216,475,413, plus strand): 5'-CATGCTGTGGCCGTGCTGTCCATCACCGCTGCCAATATGGGCCTCACCTTCTCCTCGGCT[G>A]ACCTGGTGGTGTTTGCTGAGCTGTTTTGGAACCCAGGGGTAAGAGACGCAGAAGACTCAG-3'
Protein context (NP_054859.2, residues 787-807): ANMGLTFSSA[Asp797Asn]LVVFAELFWN